The following is an entry in ClinVar:

NM_000128.4(F11):c.349G>A (p.Asp117Asn)

Gene: F11 (coagulation factor XI; plus strand). Cytogenetic location: 4q35.2.
Variant type: single nucleotide variant.
Coding change: c.349G>A on transcript NM_000128.4 (MANE Select); coding-DNA position 349, G replaced by A.
Protein change: p.Asp117Asn; replaces aspartic acid 117 with asparagine.
Molecular consequence: missense variant.
Genome position (GRCh38, 1-based): chr4:186,274,139, G>A. VCF-style: chr4-186274139-G-A. GRCh37 (hg19) VCF-style: chr4-187195293-G-A.
Other names: c.349G>A, p.Asp117Asn (NM_001354804.2, NM_001440590.1, NM_001440593.1 and 5 more transcripts); short protein forms D117N.
Identifiers: ClinVar variation 4994584 (VCV004994584.1).
Genomic context (GRCh38, chr4:186,274,139, plus strand): 5'-TCTGGAAGGTACTCATGTCTTCTGCTTTTATTTCCAGCTTGCAACAAAGACATTTATGTG[G>A]ACCTAGACATGAAGGGCATAAACTATAACAGCTCAGTTGCCAAGAGTGCTCAAGAATGCC-3'
Protein context (NP_000119.1, residues 107-127): ISACNKDIYV[Asp117Asn]LDMKGINYNS

ClinVar aggregate classification (germline): Uncertain significance (1 of 4 stars; one submission).

Conditions:
F11-related disorder. Also called: F11-related condition.

Submission:

PreventionGenetics, part of Exact Sciences
Classification: Uncertain significance for F11-related condition. Last evaluated: 2026-04-27. Review status: criteria provided, single submitter. Criteria: ACMG Guidelines, 2015. Collection method: clinical testing. Allele origin: germline.
Comment: The F11 c.349G>A variant is predicted to result in the amino acid substitution p.Asp117Asn. To our knowledge, this variant has not been reported in the literature. This variant is reported in 0.0029% of alleles in individuals of Latino descent in gnomAD. At this time, the clinical significance of this variant is uncertain due to the absence of conclusive functional and genetic evidence.